The following is an entry in ClinVar:

ClinVar aggregate classification (germline): Conflicting classifications of pathogenicity. Review status: criteria provided, conflicting classifications (1 of 4 stars). 8 submissions from 8 submitters: Pathogenic (5); Likely pathogenic (1); Uncertain significance (1). 1 of the submissions does not count toward it. Last evaluated 2026-09-08.

Conditions:
PKHD1-related disorder. Also called: PKHD1-related condition.
Autosomal recessive polycystic kidney disease (ARPKD). Also called: AR polycystic kidney disease. Identifiers: Orphanet 731, Orphanet 8378, MedGen C0085548, MeSH D017044, MONDO:0009889.
Polycystic kidney disease 4 (PKD4). Also called: POLYCYSTIC KIDNEY AND HEPATIC DISEASE 1; POLYCYSTIC KIDNEY DISEASE, INFANTILE, TYPE I; POLYCYSTIC KIDNEY DISEASE 4 WITH OR WITHOUT POLYCYSTIC LIVER DISEASE; PKD3; Autosomal Recessive Polycystic Kidney Disease – PKHD1. Identifiers: MedGen C4540575, MONDO:0033004, OMIM 263200.

Allele frequency attached by ClinVar (database versions not stated): gnomAD 0.00001; gnomAD exomes 0.00002 and 0.00004; ExAC 0.00003; TOPMed 0.00003.
gnomAD v4.1: 12 of 1,613,920 alleles (0.00074%); highest among the groups gnomAD compares: Admixed American, 0.017%; no homozygotes.

Submissions (8):

GeneDx
Classification: Pathogenic. Last evaluated: 2026-09-08. Review status: criteria provided, single submitter. Criteria: GeneDx Variant Classification Process June 2021. Collection method: clinical testing. Allele origin: germline.
Comment: In silico analysis supports that this missense variant has a deleterious effect on protein structure/function; This variant is associated with the following publications: (PMID: 24162162, 37845212, 35812281, 34536170, 39473742, 35368817, 27225849, 36647814, 33112055, 33940108)

Natera, Inc.
Classification: Pathogenic for Autosomal recessive polycystic kidney disease. Last evaluated: 2025-11-13. Review status: criteria provided, single submitter. Criteria: Natera Variant Classification Schema (03/2026). Collection method: clinical testing. Allele origin: germline.
Comment: The c.4292G>A variant in PKHD1 is a missense variant predicted to cause substitution of cysteine to tyrosine at amino acid 1431. This variant is rare in the general population with a frequency below the threshold expected for the associated phenotype(s). This variant has been observed in one or more individuals affected with the associated recessive disease, as either homozygous or compound heterozygous with a second variant (PMID: 35368817, 27225849, 36647814, 33940108). Additionally, this variant has been observed to segregate in affected family members (PMID: 35812281, 33940108). Computational prediction algorithms indicate this variant is likely to affect gene or protein function. Given the available evidence, this variant is classified as Pathogenic.

PreventionGenetics, part of Exact Sciences
Classification: Pathogenic for PKHD1-related condition. Last evaluated: 2025-10-16. Review status: criteria provided, single submitter. Criteria: ACMG Guidelines, 2015. Collection method: clinical testing. Allele origin: germline.
Comment: The PKHD1 c.4292G>A variant is predicted to result in the amino acid substitution p.Cys1431Tyr. This variant has been reported in both the compound heterozygous and homozygous states in individuals with autosomal recessive polycystic kidney disease (ARPKD) (supplementary data, Burgmaier et al. 2021. PubMed ID: 33940108; Dafinger et al. 2020. PubMed ID: 33112055; Melchionda et al. 2016. PubMed ID: 27225849). This variant is reported in 0.026% of alleles in individuals of Latino descent in gnomAD. This variant is interpreted as pathogenic.

Labcorp Genetics (formerly Invitae), Labcorp
Classification: Pathogenic for Autosomal recessive polycystic kidney disease. Last evaluated: 2025-08-22. Review status: criteria provided, single submitter. Criteria: Invitae Variant Classification Sherloc (09022015). Collection method: clinical testing. Allele origin: germline.
Comment: This sequence change replaces cysteine, which is neutral and slightly polar, with tyrosine, which is neutral and polar, at codon 1431 of the PKHD1 protein (p.Cys1431Tyr). This variant is present in population databases (rs753307105, gnomAD 0.03%). This missense change has been observed in individual(s) with autosomal recessive polycystic kidney disease (PMID: 27225849; internal data). In at least one individual the data is consistent with being in trans (on the opposite chromosome) from a pathogenic variant. ClinVar contains an entry for this variant (Variation ID: 287201). Invitae Evidence Modeling of protein sequence and biophysical properties (such as structural, functional, and spatial information, amino acid conservation, physicochemical variation, residue mobility, and thermodynamic stability) indicates that this missense variant is expected to disrupt PKHD1 protein function with a positive predictive value of 95%. For these reasons, this variant has been classified as Pathogenic.

Rady Children's Institute for Genomic Medicine, Rady Children's Hospital San Diego
Classification: Likely pathogenic for POLYCYSTIC KIDNEY DISEASE, AUTOSOMAL RECESSIVE. Last evaluated: 2024-02-16. Review status: criteria provided, single submitter. Criteria: ACMG Guidelines, 2015. Collection method: clinical testing. Allele origin: germline. Affected: yes.
Comment: The c.4292G>A (p.Cys1431Tyr) variant affects a highly conserved amino acid and is predicted by multiple in silico tools to have a deleterious effect on protein function. This variant has been previously reported as a compound heterozygous and homozygous change in individuals with polycystic kidney disease (PMID: 24162162, 35368817, 34536170, 35812281, 27225849). Different amino acid changes at the same residue (p.Cys1431Phe, p.Cys1431Ser) have been previously reported in individuals with polycystic kidney disease and autism (PMID: 33940108, 15698423). This variant is present in the heterozygous state in the gnomAD v4 population database at a frequency of 0.002% (12/780810), and is absent in the homozygous state, thus is presumed to be rare. Based on the available evidence, c.4292G>A (p.Cys1431Tyr) is classified as Likely Pathogenic.

Women's Health and Genetics/Laboratory Corporation of America, LabCorp
Classification: Pathogenic for Autosomal recessive polycystic kidney disease. Last evaluated: 2021-08-20. Review status: criteria provided, single submitter. Criteria: LabCorp Variant Classification Summary - May 2015. Collection method: clinical testing. Allele origin: germline.
Comment: Variant summary: PKHD1 c.4292G>A (p.Cys1431Tyr) results in a non-conservative amino acid change in the encoded protein sequence. Three of five in-silico tools predict a damaging effect of the variant on protein function. The variant allele was found at a frequency of 4e-05 in 251122 control chromosomes. This frequency is not significantly higher than expected for a pathogenic variant in PKHD1 causing Polycystic Kidney And Hepatic Disease (4e-05 vs 0.0071), allowing no conclusion about variant significance. c.4292G>A has been reported in the literature in multiple individuals affected with Polycystic Kidney And Hepatic Disease (Krall_2014, Melchionda_2016, Dafinger_2020, Burgmaier_2021). These data indicate that the variant is very likely to be associated with disease. To our knowledge, no experimental evidence demonstrating an impact on protein function has been reported. Four clinical diagnostic laboratories have submitted clinical-significance assessments for this variant to ClinVar after 2014 without evidence for independent evaluation (Pathogenic/likely pathogenic n=3, VUS n=1). Based on the evidence outlined above, the variant was classified as pathogenic.

Eurofins Ntd Llc (ga)
Classification: Uncertain significance. Last evaluated: 2017-09-15. Review status: criteria provided, single submitter. Criteria: EGL Classification Definitions 2015. Collection method: clinical testing. Allele origin: germline. Observed: 2 variant alleles, 2 heterozygotes.

Counsyl
Classification: Likely pathogenic for Polycystic kidney disease 4. Last evaluated: 2019-06-09. Review status: no assertion criteria provided. Collection method: clinical testing. Allele origin: unknown. Not counted in ClinVar's aggregate classification.

Literature cited by the submitters: PubMed 35368817 (cited by Natera, Inc.); PubMed 27225849 (cited by 4 submitters); PubMed 36647814 (cited by Natera, Inc.); PubMed 33940108 (cited by Natera, Inc. and Women's Health and Genetics/Laboratory Corporation of America, LabCorp); PubMed 35812281 (cited by Natera, Inc.); PubMed 24162162 (cited by Women's Health and Genetics/Laboratory Corporation of America, LabCorp and Counsyl); PubMed 33112055 (cited by Women's Health and Genetics/Laboratory Corporation of America, LabCorp).

NM_138694.4(PKHD1):c.4292G>A (p.Cys1431Tyr)

Gene: PKHD1 (PKHD1 ciliary IPT domain containing fibrocystin/polyductin; minus strand). Cytogenetic location: 6p12.2.
Variant type: single nucleotide variant.
Coding change: c.4292G>A on transcript NM_138694.4 (MANE Select); coding-DNA position 4292, G replaced by A.
Protein change: p.Cys1431Tyr; replaces cysteine 1431 with tyrosine.
Molecular consequence: missense variant.
Genome position (GRCh38, 1-based): chr6:52,025,518, C>T on the plus strand (G>A on the coding strand, the complement: PKHD1 is on the minus strand). VCF-style: chr6-52025518-C-T. GRCh37 (hg19) VCF-style: chr6-51890316-C-T.
Other names: c.4292G>A, p.Cys1431Tyr (NM_170724.3); short protein forms C1431Y.
Identifiers: ClinVar variation 287201 (VCV000287201.23), dbSNP rs753307105, ClinGen allele CA3852742.
Genomic context (GRCh38, chr6:52,025,518, plus strand): 5'-GGGTCACCCTCCAGGCTAACCTGGCAGAGAATGGTGTGGTCTCCCAAACTCAAAATCACA[C>T]AAGTAAAAGGACCCGAGAGGTCAACCCGAACTGACCTCCTTCTAGAGTTAAGAAGCAACC-3'
Protein context (NP_619639.3, residues 1421-1441): VRVDLSGPFT[Cys1431Tyr]VILSLGDHTI